The following is an entry in ClinVar:

NM_004656.4(BAP1):c.1426G>A (p.Val476Met)

Gene: BAP1 (BRCA1 associated deubiquitinase 1; minus strand). Cytogenetic location: 3p21.1.
Variant type: single nucleotide variant.
Coding change: c.1426G>A on transcript NM_004656.4 (MANE Select); coding-DNA position 1426, G replaced by A.
Protein change: p.Val476Met; replaces valine 476 with methionine.
Molecular consequence: missense variant.
Genome position (GRCh38, 1-based): chr3:52,403,719, C>T on the plus strand (G>A on the coding strand, the complement: BAP1 is on the minus strand). VCF-style: chr3-52403719-C-T. GRCh37 (hg19) VCF-style: chr3-52437735-C-T.
Other names: short protein forms V476M.
Identifiers: ClinVar variation 630849 (VCV000630849.12), dbSNP rs1559586874, ClinGen allele CA353101404.
Genomic context (GRCh38, chr3:52,403,719, plus strand): 5'-CCGTGTCTGTACTCTCATTGCTGGGGGTGGGTGAGGGCTGCGAGTGTGTGGGCACTGCCA[C>T]AGCCGGACTCCCAGCCCCGCTGCTAGTCTTGATGGACAGAGGAATTGAGAGGTCCTTCTG-3'
Protein context (NP_004647.1, residues 466-486): KTSSGAGSPA[Val476Met]AVPTHSQPSP

ClinVar aggregate classification (germline): Uncertain significance. Review status: criteria provided, multiple submitters, no conflicts (2 of 4 stars). 3 submissions from 3 submitters: Uncertain significance (3). Last evaluated 2024-04-16.

Conditions:
Hereditary cancer-predisposing syndrome. Also called: Tumor predisposition; Neoplastic Syndromes, Hereditary; Hereditary neoplastic syndrome; Hereditary Cancer Syndrome. Identifiers: Orphanet 140162, MedGen C0027672, MeSH D009386, MONDO:0015356.
BAP1-related tumor predisposition syndrome (TPDS1). Also called: Tumor susceptibility linked to germline BAP1 mutations; BAP1 tumor predisposition syndrome; COMMON Syndrome; TUMOR PREDISPOSITION SYNDROME 1. Identifiers: Orphanet 289539, MedGen C3280492, MONDO:0013692, OMIM 614327.

Allele frequency attached by ClinVar (database versions not stated): gnomAD exomes below 0.00001.
gnomAD v4.1: 2 of 1,614,076 alleles (0.00012%); highest among the groups gnomAD compares: South Asian, 0.0011%; no homozygotes.

Submissions (3):

Labcorp Genetics (formerly Invitae), Labcorp
Classification: Uncertain significance for BAP1-related tumor predisposition syndrome. Last evaluated: 2024-04-16. Review status: criteria provided, single submitter. Criteria: Invitae Variant Classification Sherloc (09022015). Collection method: clinical testing. Allele origin: germline.
Comment: This sequence change replaces valine, which is neutral and non-polar, with methionine, which is neutral and non-polar, at codon 476 of the BAP1 protein (p.Val476Met). This variant is not present in population databases (gnomAD no frequency). This variant has not been reported in the literature in individuals affected with BAP1-related conditions. ClinVar contains an entry for this variant (Variation ID: 630849). Advanced modeling of protein sequence and biophysical properties (such as structural, functional, and spatial information, amino acid conservation, physicochemical variation, residue mobility, and thermodynamic stability) performed at Invitae indicates that this missense variant is not expected to disrupt BAP1 protein function with a negative predictive value of 80%. In summary, the available evidence is currently insufficient to determine the role of this variant in disease. Therefore, it has been classified as a Variant of Uncertain Significance.

Ambry Genetics
Classification: Uncertain significance for Hereditary cancer-predisposing syndrome. Last evaluated: 2024-03-22. Review status: criteria provided, single submitter. Criteria: Ambry Variant Classification Scheme 2023. Collection method: clinical testing. Allele origin: germline.
Comment: The p.V476M variant (also known as c.1426G>A), located in coding exon 13 of the BAP1 gene, results from a G to A substitution at nucleotide position 1426. The valine at codon 476 is replaced by methionine, an amino acid with highly similar properties. This amino acid position is conserved. In addition, this alteration is predicted to be tolerated by in silico analysis. Since supporting evidence is limited at this time, the clinical significance of this alteration remains unclear.

Color Diagnostics, LLC DBA Color Health
Classification: Uncertain significance for Hereditary cancer-predisposing syndrome. Last evaluated: 2023-12-05. Review status: criteria provided, single submitter. Criteria: ACMG Guidelines, 2015. Collection method: clinical testing. Allele origin: germline.
Comment: This missense variant replaces valine with methionine at codon 476 of the BAP1 protein. Computational prediction suggests that this variant may not impact protein structure and function (internally defined REVEL score threshold <= 0.5, PMID: 27666373). To our knowledge, functional studies have not been reported for this variant. This variant has not been reported in individuals affected with BAP1-related disorders in the literature. This variant has not been identified in the general population by the Genome Aggregation Database (gnomAD). The available evidence is insufficient to determine the role of this variant in disease conclusively. Therefore, this variant is classified as a Variant of Uncertain Significance.